The following is an entry in ClinVar:

ClinVar aggregate classification (germline): Pathogenic (1 of 4 stars; one submission).

Conditions:
GTP cyclohydrolase I deficiency. Identifiers: MedGen C0268467, MONDO:0100184.
Dystonia 5 (DRD). Also called: GTP Cyclohydrolase 1-Deficient Dopa-Responsive Dystonia; DYT-GCH1; DYSTONIA, PROGRESSIVE, WITH DIURNAL VARIATION; DYSTONIA-PARKINSONISM WITH DIURNAL FLUCTUATION; Dystonia, DOPA-responsive, with or without hyperphenylalaninemia. Identifiers: Orphanet 98808, MedGen C1851920, MONDO:0007495, OMIM 128230.

Submission:

Labcorp Genetics (formerly Invitae), Labcorp
Classification: Pathogenic for GTP cyclohydrolase I deficiency; Dystonia 5. Last evaluated: 2023-05-04. Review status: criteria provided, single submitter. Criteria: Invitae Variant Classification Sherloc (09022015). Collection method: clinical testing. Allele origin: germline.
Comment: This variant is not present in population databases (gnomAD no frequency). This variant, c.532_537del, results in the deletion of 2 amino acid(s) of the GCH1 protein (p.Arg178_Leu179del), but otherwise preserves the integrity of the reading frame. This variant has been observed in individual(s) with clinical features of a GCH1-related disorder (Invitae). For these reasons, this variant has been classified as Pathogenic. This variant disrupts a region of the GCH1 protein in which other variant(s) (p.Arg178Ser) have been determined to be pathogenic (PMID: 9120469, 10825351). This suggests that this is a clinically significant region of the protein, and that variants that disrupt it are likely to be disease-causing. Algorithms developed to predict the effect of sequence changes on RNA splicing suggest that this variant may disrupt the consensus splice site. ClinVar contains an entry for this variant (Variation ID: 951546).

Literature cited by the submitters: PubMed 9120469; PubMed 10825351.

NM_000161.3(GCH1):c.532_537del (p.Arg178_Leu179del)

Gene: GCH1 (GTP cyclohydrolase 1; minus strand). Cytogenetic location: 14q22.2.
Variant type: Deletion.
Coding change: c.532_537del on transcript NM_000161.3 (MANE Select); coding-DNA positions 532 to 537, 6 bases deleted (AGACTA; older notation c.532_537delAGACTA).
Protein change: p.Arg178_Leu179del.
Molecular consequence: inframe deletion.
Genome position (GRCh38, 1-based): chr14:54,847,103-54,847,108, TAGTCT deleted on the plus strand (AGACTA on the coding strand, the reverse complement: GCH1 is on the minus strand); deleting any 6 consecutive bases within chr14:54,847,103-54,847,109 gives the same sequence; the c. name uses the placement nearest the transcript's 3' end. VCF-style (leftmost placement, unchanged base first): chr14-54847102-GTAGTCT-G. GRCh37 (hg19) VCF-style: chr14-55313820-GTAGTCT-G.
Other names: c.532_537del, p.Arg178_Leu179del (NM_001024024.2, NM_001024070.2, NM_001024071.2).
Identifiers: ClinVar variation 951546 (VCV000951546.9), dbSNP rs2039654207, ClinGen allele CA1139663495.